The following is an entry in ClinVar:

NM_000179.3(MSH6):c.3172+2del

Gene: MSH6 (mutS homolog 6; plus strand). Cytogenetic location: 2p16.3.
Variant type: Deletion.
Coding change: c.3172+2del on transcript NM_000179.3 (MANE Select); the canonical splice donor site of the intron after coding-DNA position 3172, one base deleted (T; older notation c.3172+2delT).
Molecular consequence: splice donor variant. On other transcripts: intron variant (2).
Genome position (GRCh38, 1-based): chr2:47,801,157, T deleted. VCF-style (leftmost placement, unchanged base first): chr2-47801156-GT-G. GRCh37 (hg19) VCF-style: chr2-48028295-GT-G.
Other names: c.3178+2del (NM_001406813.1); c.2647+2del (NM_001406807.1, NM_001406799.1, NM_001406806.1); c.2266+2del (NM_001406814.1, NM_001281493.2, NM_001406812.1 and 6 more transcripts); c.3172+2del (NM_001406808.1, NM_001406800.1, NM_001406798.1 and 2 more transcripts); c.2308+866del (NM_001406803.1); c.1606+1568del (NM_001406817.1); c.1117+2del (NM_001407362.1); c.3094+2del (NM_001406804.1); and 4 more.
Identifiers: ClinVar variation 1728442 (VCV001728442.3), dbSNP rs1669558872, ClinGen allele CA2496050178.

ClinVar aggregate classification (germline): Pathogenic/Likely pathogenic. Review status: criteria provided, multiple submitters, no conflicts (2 of 4 stars). 2 submissions from 2 submitters: Pathogenic (1); Likely pathogenic (1). Last evaluated 2026-01-27.

Conditions:
Hereditary cancer-predisposing syndrome. Also called: Hereditary neoplastic syndrome; Neoplastic Syndromes, Hereditary; Tumor predisposition; Hereditary Cancer Syndrome. Identifiers: Orphanet 140162, MedGen C0027672, MeSH D009386, MONDO:0015356.
Lynch syndrome 5 (LYNCH5). Also called: Hereditary non-polyposis colorectal cancer, type 5; Colorectal cancer, hereditary nonpolyposis, type 5. Identifiers: Orphanet 144, MedGen C1833477, MONDO:0013710, OMIM 614350. Disease mechanism: loss of function.

Allele frequency attached by ClinVar (database versions not stated): TOPMed below 0.00001.

Submissions (2):

Myriad Genetics, Inc.
Classification: Likely pathogenic for Lynch syndrome 5. Last evaluated: 2026-01-27. Review status: criteria provided, single submitter. Criteria: Myriad Autosomal Dominant, Autosomal Recessive and X-Linked Classification Criteria (2023). Collection method: clinical testing. Allele origin: unknown.
Comment: This variant is considered likely pathogenic. This variant occurs within a consensus splice junction and is predicted to result in abnormal mRNA splicing of either an out-of-frame exon or an in-frame exon necessary for protein stability and/or normal function.

Ambry Genetics
Classification: Pathogenic for Hereditary cancer-predisposing syndrome. Last evaluated: 2020-04-22. Review status: criteria provided, single submitter. Criteria: Ambry Variant Classification Scheme 2023. Collection method: clinical testing. Allele origin: germline.
Comment: The c.3172+2delT intronic pathogenic mutation, located in intron 4 of the MSH6 gene, results from a deletion of one nucleotide within intron 4 of the MSH6 gene. This variant has been identified in a proband(s) whose Lynch syndrome-associated tumor demonstrated loss of MSH6 expression by immunohistochemistry (IHC) (Ambry internal data). This variant has also been identified as somatic in conjunction with a somatic pathogenic MSH6 variant in an endometrial tumor that demonstrated high microsatellite instability with loss of MSH6 expression by IHC (Ambry internal data). This variant is considered to be rare based on population cohorts in the Genome Aggregation Database (gnomAD). In silico splice site analysis predicts that this alteration will weaken the native splice donor site; however, direct evidence is insufficient at this time (Ambry internal data). Another alteration impacting the same donor site (c.3172+1G>T) has been detected in an individual who met Amsterdam I/II criteria for Lynch syndrome and their tumor demonstrated loss of MSH6 expression by IHC, and in several individuals whose Lynch syndrome-associated tumors demonstrated loss of MSH6 expression by IHC (Talseth-Palmer BA et al. Hered. Cancer Clin. Pract. 2010 May;8:5; Ambry internal data). Alterations that disrupt the canonical splice site are expected to cause aberrant splicing, resulting in an abnormal protein or a transcript that is subject to nonsense-mediated mRNA decay. As such, this alteration is classified as a disease-causing mutation.